The following is an entry in ClinVar:

ClinVar aggregate classification (germline): Uncertain significance (1 of 4 stars; one submission).

Submission:

CeGaT Center for Human Genetics Tuebingen
Classification: Uncertain significance. Last evaluated: 2026-07-01. Review status: criteria provided, single submitter. Criteria: CeGaT Center For Human Genetics Tuebingen Variant Classification Criteria Version 2. Collection method: clinical testing. Allele origin: germline. Affected: yes. Observed: 1 variant allele.
Comment: CACNA1A: PM2

NM_001127222.2(CACNA1A):c.1986+3A>G

Gene: CACNA1A (calcium voltage-gated channel subunit alpha1 A; minus strand). Cytogenetic location: 19p13.13.
Variant type: single nucleotide variant.
Coding change: c.1986+3A>G on transcript NM_001127222.2 (MANE Select); 3 bases into the intron after coding-DNA position 1986, A replaced by G.
Molecular consequence: intron variant.
Genome position (GRCh38, 1-based): chr19:13,307,779, T>C on the plus strand (A>G on the coding strand, the complement: CACNA1A is on the minus strand). VCF-style: chr19-13307779-T-C. GRCh37 (hg19) VCF-style: chr19-13418593-T-C.
Other names: c.1989+3A>G (NM_001127221.2, NM_001174080.2, NM_000068.4 and 1 more transcripts).
Identifiers: ClinVar variation 3390036 (VCV003390036.14).